The following is an entry in ClinVar:

NM_015450.3(POT1):c.1361T>G (p.Leu454Trp)

Gene: POT1 (protection of telomeres 1; minus strand). Cytogenetic location: 7q31.33.
Variant type: single nucleotide variant.
Coding change: c.1361T>G on transcript NM_015450.3 (MANE Select); coding-DNA position 1361, T replaced by G.
Protein change: p.Leu454Trp; replaces leucine 454 with tryptophan.
Molecular consequence: missense variant. On other transcripts: non-coding transcript variant (3).
Genome position (GRCh38, 1-based): chr7:124,840,981, A>C on the plus strand (T>G on the coding strand, the complement: POT1 is on the minus strand). VCF-style: chr7-124840981-A-C. GRCh37 (hg19) VCF-style: chr7-124481035-A-C.
Other names: c.968T>G, p.Leu323Trp (NM_001042594.2); short protein forms L323W, L454W.
Identifiers: ClinVar variation 2450564 (VCV002450564.2), dbSNP rs2485394059, ClinGen allele CA369066598.

ClinVar aggregate classification (germline): Uncertain significance (1 of 4 stars; one submission).

Conditions:
Hereditary cancer-predisposing syndrome. Also called: Neoplastic Syndromes, Hereditary; Tumor predisposition; Hereditary neoplastic syndrome; Hereditary Cancer Syndrome. Identifiers: Orphanet 140162, MedGen C0027672, MeSH D009386, MONDO:0015356.

Submission:

Ambry Genetics
Classification: Uncertain significance for Hereditary cancer-predisposing syndrome. Last evaluated: 2023-03-02. Review status: criteria provided, single submitter. Criteria: Ambry Variant Classification Scheme 2023. Collection method: clinical testing. Allele origin: germline.
Comment: The p.L454W variant (also known as c.1361T>G), located in coding exon 10 of the POT1 gene, results from a T to G substitution at nucleotide position 1361. The leucine at codon 454 is replaced by tryptophan, an amino acid with similar properties. This amino acid position is conserved. In addition, the in silico prediction for this alteration is inconclusive. Since supporting evidence is limited at this time, the clinical significance of this alteration remains unclear.